The following is an entry in ClinVar:

ClinVar aggregate classification (germline): Uncertain significance (1 of 4 stars; one submission).

Submission:

GeneDx
Classification: Uncertain significance. Last evaluated: 2023-01-18. Review status: criteria provided, single submitter. Criteria: GeneDx Variant Classification Process June 2021. Collection method: clinical testing. Allele origin: germline. Affected: yes.
Comment: In silico analysis supports that this missense variant has a deleterious effect on protein structure/function; Not observed at significant frequency in large population cohorts (gnomAD); Has not been previously published as pathogenic or benign to our knowledge

NM_004380.3(CREBBP):c.2876C>T (p.Thr959Ile)

Gene: CREBBP (CREB binding protein; minus strand). Cytogenetic location: 16p13.3.
Variant type: single nucleotide variant.
Coding change: c.2876C>T on transcript NM_004380.3 (MANE Select); coding-DNA position 2876, C replaced by T.
Protein change: p.Thr959Ile; replaces threonine 959 with isoleucine.
Molecular consequence: missense variant.
Genome position (GRCh38, 1-based): chr16:3,770,574, G>A on the plus strand (C>T on the coding strand, the complement: CREBBP is on the minus strand). VCF-style: chr16-3770574-G-A. GRCh37 (hg19) VCF-style: chr16-3820575-G-A.
Other names: c.2762C>T, p.Thr921Ile (NM_001079846.1); short protein forms T921I, T959I.
Identifiers: ClinVar variation 2573815 (VCV002573815.1), dbSNP rs2141198396, ClinGen allele CA394549954.